The following is an entry in ClinVar:

ClinVar aggregate classification (germline): Likely benign (1 of 4 stars; one submission).

Allele frequency attached by ClinVar (database versions not stated): ESP Exome Variant Server 0.00008; 1000 Genomes Project 30x 0.00156; 1000 Genomes Project 0.00160.
gnomAD v4.1: 537 of 1,613,894 alleles (0.033%); highest among the groups gnomAD compares: South Asian, 0.53%; 8 homozygotes.

Submission:

CeGaT Center for Human Genetics Tuebingen
Classification: Likely benign. Last evaluated: 2023-03-01. Review status: criteria provided, single submitter. Criteria: CeGaT Center For Human Genetics Tuebingen Variant Classification Criteria Version 2. Collection method: clinical testing. Allele origin: germline. Affected: yes. Observed: 1 variant allele.
Comment: LDB1: BS2

NM_001113407.3(LDB1):c.399G>T (p.Glu133Asp)

Genes: LDB1 (LIM domain binding 1; minus strand), LOC126861021 (CDK7 strongly-dependent group 2 enhancer GRCh37_chr10:103870016-103871215; plus strand). Cytogenetic location: 10q24.32.
Variant type: single nucleotide variant.
Coding change: c.399G>T on transcript NM_001113407.3 (MANE Select); coding-DNA position 399, G replaced by T.
Protein change: p.Glu133Asp; replaces glutamic acid 133 with aspartic acid.
Molecular consequence: missense variant.
Genome position (GRCh38, 1-based): chr10:102,110,655, C>A on the plus strand (G>T on the coding strand, the complement: LDB1 is on the minus strand). VCF-style: chr10-102110655-C-A. GRCh37 (hg19) VCF-style: chr10-103870412-C-A.
Other names: c.399G>T, p.Glu133Asp (NM_001321612.2); c.291G>T, p.Glu97Asp (NM_003893.5); short protein forms E133D, E97D.
Identifiers: ClinVar variation 2640775 (VCV002640775.24), dbSNP rs199713070, ClinGen allele CA5660407.